The following is an entry in ClinVar:

ClinVar aggregate classification (germline): Benign. Review status: criteria provided, multiple submitters, no conflicts (2 of 4 stars). 2 submissions from 2 submitters: Benign (2). Last evaluated 2024-07-31.

Allele frequency attached by ClinVar (database versions not stated): 1000 Genomes Project 30x 0.22096; 1000 Genomes Project 0.22284; TOPMed 0.26302; ESP Exome Variant Server 0.28702.
gnomAD v4.1: 364,844 of 1,115,990 alleles (33%); highest among the groups gnomAD compares: Non-Finnish European, 35%; 62,269 homozygotes.

Submissions (2):

Unidad de Genómica Garrahan, Hospital de Pediatría Garrahan
Classification: Benign. Last evaluated: 2024-07-31. Review status: criteria provided, single submitter. Criteria: ACMG Guidelines, 2015. Collection method: clinical testing. Allele origin: germline. Affected: no. Observed: 45 variant alleles.
Comment: This variant is classified as Benign based on local population frequency. This variant was detected in 48% of patients studied in a panel designed for Epileptic and Developmental Encephalopathy, Progressive Myoclonus Epilepsy and Abnormal Movements and Neurodegeneration with brain iron accumulation. Number of patients: 45. Only high quality variants are reported.

GeneDx
Classification: Benign. Last evaluated: 2018-06-23. Review status: criteria provided, single submitter. Criteria: GeneDx Variant Classification Process June 2021. Collection method: clinical testing. Allele origin: germline. Affected: yes.

NM_020442.6(VARS2):c.2673+40G>C

Gene: VARS2 (valyl-tRNA synthetase 2, mitochondrial; plus strand). Cytogenetic location: 6p21.33.
Variant type: single nucleotide variant.
Coding change: c.2673+40G>C on transcript NM_020442.6 (MANE Select); 40 bases into the intron after coding-DNA position 2673, G replaced by C.
Molecular consequence: intron variant.
Genome position (GRCh38, 1-based): chr6:30,924,600, G>C. VCF-style: chr6-30924600-G-C. GRCh37 (hg19) VCF-style: chr6-30892377-G-C.
Other names: c.2763+40G>C (NM_001167734.2); c.2253+40G>C (NM_001167733.3).
Identifiers: ClinVar variation 1234278 (VCV001234278.5), dbSNP rs2252760, ClinGen allele CA3706334.